The following is an entry in ClinVar:

NM_001199397.3(NEK1):c.924T>G (p.Ile308Met)

Gene: NEK1 (NIMA related kinase 1; minus strand). Cytogenetic location: 4q33.
Variant type: single nucleotide variant.
Coding change: c.924T>G on transcript NM_001199397.3 (MANE Select); coding-DNA position 924, T replaced by G.
Protein change: p.Ile308Met; replaces isoleucine 308 with methionine.
Molecular consequence: missense variant. On other transcripts: non-coding transcript variant (2).
Genome position (GRCh38, 1-based): chr4:169,577,024, A>C on the plus strand (T>G on the coding strand, the complement: NEK1 is on the minus strand). VCF-style: chr4-169577024-A-C. GRCh37 (hg19) VCF-style: chr4-170498175-A-C.
Other names: c.924T>G, p.Ile308Met (NM_001199398.3, NM_001199399.3, NM_001199400.3 and 7 more transcripts); c.924T>G (NM_012224.3); short protein forms I308M.
Identifiers: ClinVar variation 618246 (VCV000618246.30), dbSNP rs10034957, ClinGen allele CA3137906.

ClinVar aggregate classification (germline): Conflicting classifications of pathogenicity. Review status: criteria provided, conflicting classifications (1 of 4 stars). 7 submissions from 7 submitters: Uncertain significance (2); Likely benign (4). 1 of the submissions does not count toward it. Last evaluated 2025-12-24.

Conditions:
Short-rib thoracic dysplasia 6 with or without polydactyly (SRTD6). Also called: Majewski Syndrome; SHORT RIB-POLYDACTYLY SYNDROME, TYPE IIA; SHORT-RIB THORACIC DYSPLASIA 6 WITH POLYDACTYLY; SHORT-RIB THORACIC DYSPLASIA 6 WITHOUT POLYDACTYLY; POLYDACTYLY WITH NEONATAL CHONDRODYSTROPHY, TYPE II. Identifiers: MedGen C0024507, MONDO:0009894, OMIM 263520.
NEK1-related disorder. Also called: NEK1-related condition.

Allele frequency attached by ClinVar (database versions not stated): gnomAD exomes 0.00014 and 0.00038; ExAC 0.00043; ESP Exome Variant Server 0.00111; gnomAD 0.00135 and 0.00151; TOPMed 0.00158; 1000 Genomes Project 30x 0.00172; 1000 Genomes Project 0.00180.
gnomAD v4.1: 421 of 1,613,632 alleles (0.026%); highest among the groups gnomAD compares: African/African-American, 0.37%; no homozygotes.

Submissions (7):

Labcorp Genetics (formerly Invitae), Labcorp
Classification: Likely benign for Short-rib thoracic dysplasia 6 with or without polydactyly. Last evaluated: 2025-12-24. Review status: criteria provided, single submitter. Criteria: Invitae Variant Classification Sherloc (09022015). Collection method: clinical testing. Allele origin: germline.

Blueprint Genetics
Classification: Likely benign. Last evaluated: 2024-11-13. Review status: criteria provided, single submitter. Criteria: ACMG Guidelines, 2015. Collection method: clinical testing. Allele origin: germline.

ARUP Laboratories, Molecular Genetics and Genomics, ARUP Laboratories
Classification: Uncertain significance. Last evaluated: 2023-11-22. Review status: criteria provided, single submitter. Criteria: ARUP Molecular Germline Variant Investigation Process 2024. Collection method: clinical testing. Allele origin: germline.
Comment: The NEK1 c.924T>G; p.Ile308Met variant (rs10034957), to our knowledge, is not reported in the medical literature, gene specific variation databases, nor has it been previously identified by our laboratory. This variant is listed in the genome Aggregation Database (gnomAD) with an overall population frequency of 0.05% (identified on 136 out of 277,020 chromosomes). The isoleucine at position 308 is highly conserved, considering 10 species, and computational analyses of the effects of the p.Ile308Met variant on protein structure and function make conflicting predictions (SIFT: tolerated, PolyPhen-2: probably damaging). Based on the available information, the clinical significance of the p.Ile308Met variant cannot be determined with certainty.

Revvity Omics, Revvity
Classification: Uncertain significance for Short-rib thoracic dysplasia 6 with or without polydactyly. Last evaluated: 2022-08-31. Review status: criteria provided, single submitter. Criteria: ACMG Guidelines, 2015. Collection method: clinical testing. Allele origin: germline.

GeneDx
Classification: Likely benign. Last evaluated: 2021-02-09. Review status: criteria provided, single submitter. Criteria: GeneDx Variant Classification Process June 2021. Collection method: clinical testing. Allele origin: germline. Affected: yes.

Illumina Laboratory Services, Illumina
Classification: Likely benign for Short-rib thoracic dysplasia 6 with or without polydactyly. Last evaluated: 2018-01-13. Review status: criteria provided, single submitter. Criteria: ICSL Variant Classification Criteria 13 December 2019. Collection method: clinical testing. Allele origin: germline.
Comment: This variant was observed in the ICSL laboratory as part of a predisposition screen in an ostensibly healthy population. It had not been previously curated by ICSL or reported in the Human Gene Mutation Database (HGMD: prior to June 1st, 2018), and was therefore a candidate for classification through an automated scoring system. Utilizing variant allele frequency, disease prevalence and penetrance estimates, and inheritance mode, an automated score was calculated to assess if this variant is too frequent to cause the disease. Based on the score and internal cut-off values, a variant classified as likely benign is not then subjected to further curation. The score for this variant resulted in a classification of likely benign for this disease.

PreventionGenetics, part of Exact Sciences
Classification: Likely benign for NEK1-related condition. Last evaluated: 2020-04-29. Review status: no assertion criteria provided. Collection method: clinical testing. Allele origin: germline. Not counted in ClinVar's aggregate classification.
Comment: This variant is classified as likely benign based on ACMG/AMP sequence variant interpretation guidelines (Richards et al. 2015 PMID: 25741868, with internal and published modifications).